The following is an entry in ClinVar:

ClinVar aggregate classification (germline): Benign/Likely benign. Review status: criteria provided, multiple submitters, no conflicts (2 of 4 stars). 10 submissions from 10 submitters: Benign (3); Likely benign (7). Last evaluated 2026-01-28.

Conditions:
Hereditary cancer-predisposing syndrome. Also called: Tumor predisposition; Hereditary Cancer Syndrome; Neoplastic Syndromes, Hereditary; Hereditary neoplastic syndrome. Identifiers: Orphanet 140162, MedGen C0027672, MeSH D009386, MONDO:0015356.
POLD1-related polyposis and colorectal cancer syndrome (CRCS10). Also called: Colorectal cancer 10; COLORECTAL CANCER, SUSCEPTIBILITY TO, ON CHROMOSOME 19q; Colorectal cancer, susceptibility to, 10. Identifiers: Orphanet 220460, MedGen C2675481, MONDO:0012953, OMIM 612591.

Allele frequency attached by ClinVar (database versions not stated): gnomAD 0.00001 and 0.00002; ExAC 0.00002; gnomAD exomes 0.00002 and 0.00003; TOPMed 0.00002; 1000 Genomes Project 30x 0.00016; 1000 Genomes Project 0.00020.
gnomAD v4.1: 52 of 1,613,712 alleles (0.0032%); highest among the groups gnomAD compares: Middle Eastern, 0.033%; no homozygotes.

Submissions (10):

Labcorp Genetics (formerly Invitae), Labcorp
Classification: Likely benign for POLD1-related polyposis and colorectal cancer syndrome. Last evaluated: 2026-01-28. Review status: criteria provided, single submitter. Criteria: Invitae Variant Classification Sherloc (09022015). Collection method: clinical testing. Allele origin: germline.

Mayo Clinic Laboratories, Mayo Clinic
Classification: Likely benign. Last evaluated: 2025-06-05. Review status: criteria provided, single submitter. Criteria: ACMG Guidelines, 2015. Collection method: clinical testing. Allele origin: germline. Observed: 1 variant allele.
Comment: BP4, BP7

Center for Genomic Medicine, Rigshospitalet, Copenhagen University Hospital
Classification: Likely benign. Last evaluated: 2025-03-04. Review status: criteria provided, single submitter. Criteria: ACMG Guidelines, 2015. Collection method: clinical testing. Allele origin: germline.

Myriad Genetics, Inc.
Classification: Benign for POLD1-related polyposis and colorectal cancer syndrome. Last evaluated: 2025-02-07. Review status: criteria provided, single submitter. Criteria: Myriad Autosomal Dominant, Autosomal Recessive and X-Linked Classification Criteria (2023). Collection method: clinical testing. Allele origin: unknown.
Comment: This variant is considered benign. This variant is a silent/synonymous amino acid change and it is not expected to impact splicing.

KCCC/NGS Laboratory, Kuwait Cancer Control Center
Classification: Benign for POLD1-related polyposis and colorectal cancer syndrome. Last evaluated: 2025-02-01. Review status: criteria provided, single submitter. Criteria: ACMG Guidelines, 2015. Collection method: clinical testing. Allele origin: germline. Affected: no.

Blueprint Genetics
Classification: Likely benign. Last evaluated: 2023-10-27. Review status: criteria provided, single submitter. Criteria: ACMG Guidelines, 2015. Collection method: clinical testing. Allele origin: germline.

GeneDx
Classification: Likely benign. Last evaluated: 2018-05-31. Review status: criteria provided, single submitter. Criteria: GeneDx Variant Classification Process June 2021. Collection method: clinical testing. Allele origin: germline. Affected: yes.

Quest Diagnostics Nichols Institute San Juan Capistrano
Classification: Benign. Last evaluated: 2018-05-22. Review status: criteria provided, single submitter. Criteria: Quest Diagnostics criteria. Collection method: clinical testing. Allele origin: germline.

Ambry Genetics
Classification: Likely benign for Hereditary cancer-predisposing syndrome. Last evaluated: 2015-09-09. Review status: criteria provided, single submitter. Criteria: Ambry Variant Classification Scheme 2023. Collection method: clinical testing. Allele origin: germline.

Breakthrough Genomics
Classification: Likely benign. Review status: criteria provided, single submitter. Criteria: ACMG Guidelines, 2015. Collection method: not provided. Allele origin: germline. Inheritance: Autosomal dominant inheritance. Affected: yes.

NM_002691.4(POLD1):c.1608G>A (p.Ala536=)

Gene: POLD1 (DNA polymerase delta 1, catalytic subunit; plus strand). Cytogenetic location: 19q13.33.
Variant type: single nucleotide variant.
Coding change: c.1608G>A on transcript NM_002691.4 (MANE Select); coding-DNA position 1608, G replaced by A.
Protein change: p.Ala536=; no amino-acid change (alanine 536 retained).
Molecular consequence: synonymous variant. On other transcripts: non-coding transcript variant (1).
Genome position (GRCh38, 1-based): chr19:50,407,096, G>A. VCF-style: chr19-50407096-G-A. GRCh37 (hg19) VCF-style: chr19-50910353-G-A.
Other names: p.Ala536=; c.1608G>A, p.Ala536= (NM_001256849.1, NM_001308632.1).
Identifiers: ClinVar variation 220859 (VCV000220859.27), dbSNP rs568549476, ClinGen allele CA348131.